The following is an entry in ClinVar:

ClinVar aggregate classification (germline): Pathogenic/Likely pathogenic. Review status: criteria provided, multiple submitters, no conflicts (2 of 4 stars). 3 submissions from 3 submitters: Pathogenic (2); Likely pathogenic (1). Last evaluated 2025-07-25.

Conditions:
Refsum disease, classic. Also called: PHYH-Related Refsum Disease; HEREDOPATHIA ATACTICA POLYNEURITIFORMIS; HMSN IV; PHYTANIC ACID OXIDASE DEFICIENCY. Identifiers: Orphanet 773, MedGen C5780941, MONDO:1060256, OMIM 266500. Disease mechanism: loss of function.
PHYH-related disorder. Also called: PHYH-related condition.

Submissions (3):

Myriad Genetics, Inc.
Classification: Pathogenic for Refsum disease, classic. Last evaluated: 2025-07-25. Review status: criteria provided, single submitter. Criteria: Myriad Autosomal Dominant, Autosomal Recessive and X-Linked Classification Criteria (2023). Collection method: clinical testing. Allele origin: unknown.
Comment: NM_006214.3(PHYH):c.127C>T(Q43*) is a nonsense variant classified as pathogenic in the context of Refsum disease, PHYH-related. Q43* has not been observed in cases with relevant disease. Relevant functional assessments of this variant are not available in the literature. Q43* has been observed in referenced population frequency databases. In summary, NM_006214.3(PHYH):c.127C>T(Q43*) is a nonsense variant in a gene where loss of function is a known mechanism of disease and is predicted to disrupt protein function. Please note: this variant was assessed in the context of healthy population screening.

Labcorp Genetics (formerly Invitae), Labcorp
Classification: Pathogenic. Last evaluated: 2023-05-20. Review status: criteria provided, single submitter. Criteria: Invitae Variant Classification Sherloc (09022015). Collection method: clinical testing. Allele origin: germline.
Comment: This sequence change creates a premature translational stop signal (p.Gln43*) in the PHYH gene. It is expected to result in an absent or disrupted protein product. Loss-of-function variants in PHYH are known to be pathogenic (PMID: 9326940, 14974078). This variant is present in population databases (no rsID available, gnomAD 0.003%). For these reasons, this variant has been classified as Pathogenic. This variant has not been reported in the literature in individuals affected with PHYH-related conditions.

Blueprint Genetics
Classification: Likely pathogenic for PHYH-related disorders. Last evaluated: 2022-04-01. Review status: criteria provided, single submitter. Criteria: ACMG Guidelines, 2015. Collection method: clinical testing. Allele origin: germline. Affected: yes. Observed: 1 variant allele.

Literature cited by the submitters: PubMed 9326940 (cited by Labcorp Genetics (formerly Invitae), Labcorp); PubMed 14974078 (cited by Labcorp Genetics (formerly Invitae), Labcorp).

NM_006214.4(PHYH):c.127C>T (p.Gln43Ter)

Gene: PHYH (phytanoyl-CoA 2-hydroxylase; minus strand). Cytogenetic location: 10p13.
Variant type: single nucleotide variant.
Coding change: c.127C>T on transcript NM_006214.4 (MANE Select); coding-DNA position 127, C replaced by T.
Protein change: p.Gln43Ter; replaces glutamine 43 with a stop codon.
Molecular consequence: nonsense. On other transcripts: 5 prime UTR variant (1), intron variant (2).
Genome position (GRCh38, 1-based): chr10:13,298,194, G>A on the plus strand (C>T on the coding strand, the complement: PHYH is on the minus strand). VCF-style: chr10-13298194-G-A. GRCh37 (hg19) VCF-style: chr10-13340194-G-A.
Other names: c.-174C>T (NM_001323080.2); c.127C>T, p.Gln43Ter (NM_001323082.2, NM_001323083.2); c.-167+1226C>T (NM_001037537.2, NM_001323084.2); short protein forms Q43*.
Identifiers: ClinVar variation 2782463 (VCV002782463.5), dbSNP rs1454438150, ClinGen allele CA376038099.